The following is an entry in ClinVar:

ClinVar aggregate classification (germline): Benign (1 of 4 stars; one submission).

Conditions:
Cone-rod dystrophy 5 (CORD5). Identifiers: Orphanet 1872, MedGen C1832976, MONDO:0010969, OMIM 600977.

Allele frequency attached by ClinVar (database versions not stated): 1000 Genomes Project 0.00220; 1000 Genomes Project 30x 0.00234; TOPMed 0.00815; gnomAD 0.00887; gnomAD exomes 0.02941.
gnomAD v4.1: 1,247 of 151,810 alleles (0.82%); highest among the groups gnomAD compares: Non-Finnish European, 1.4%; 9 homozygotes.

Submission:

Illumina Laboratory Services, Illumina
Classification: Benign for Cone-rod dystrophy 5. Last evaluated: 2018-01-13. Review status: criteria provided, single submitter. Criteria: ICSL Variant Classification Criteria 13 December 2019. Collection method: clinical testing. Allele origin: germline.
Comment: This variant was observed in the ICSL laboratory as part of a predisposition screen in an ostensibly healthy population. It had not been previously curated by ICSL or reported in the Human Gene Mutation Database (HGMD: prior to June 1st, 2018), and was therefore a candidate for classification through an automated scoring system. Utilizing variant allele frequency, disease prevalence and penetrance estimates, and inheritance mode, an automated score was calculated to assess if this variant is too frequent to cause the disease. Based on the score and internal cut-off values, a variant classified as benign is not then subjected to further curation. The score for this variant resulted in a classification of benign for this disease.

NM_031220.4(PITPNM3):c.*824G>T

Gene: PITPNM3 (PITPNM family member 3; minus strand). Cytogenetic location: 17p13.2.
Variant type: single nucleotide variant.
Coding change: c.*824G>T on transcript NM_031220.4 (MANE Select); 824 bases downstream of the stop codon, G replaced by T.
Molecular consequence: 3 prime UTR variant.
Genome position (GRCh38, 1-based): chr17:6,454,514, C>A on the plus strand (G>T on the coding strand, the complement: PITPNM3 is on the minus strand). VCF-style: chr17-6454514-C-A. GRCh37 (hg19) VCF-style: chr17-6357834-C-A.
Other names: c.*824G>T (NM_001165966.2).
Identifiers: ClinVar variation 324729 (VCV000324729.5), dbSNP rs111943449, ClinGen allele CA10646544.